The following is an entry in ClinVar:

ClinVar aggregate classification (germline): Likely pathogenic (1 of 4 stars; one submission).

Conditions:
Dilated cardiomyopathy 1G (CMD1G). Identifiers: Orphanet 154, MedGen C1858763, MONDO:0011400, OMIM 604145.
Autosomal recessive limb-girdle muscular dystrophy type 2J (LGMDR10). Also called: Limb-girdle muscular dystrophy, type 2J; MUSCULAR DYSTROPHY, LIMB-GIRDLE, AUTOSOMAL RECESSIVE 10. Identifiers: Orphanet 140922, MedGen C1837342, MONDO:0012127, OMIM 608807.

Submission:

Labcorp Genetics (formerly Invitae), Labcorp
Classification: Likely pathogenic for Dilated cardiomyopathy 1G; Autosomal recessive limb-girdle muscular dystrophy type 2J. Last evaluated: 2020-10-23. Review status: criteria provided, single submitter. Criteria: Invitae Variant Classification Sherloc (09022015). Collection method: clinical testing. Allele origin: germline.
Comment: This sequence change results in a premature translational stop signal in the TTN gene (p.Ile32808Glyfs*7). While this is not anticipated to result in nonsense mediated decay, it is expected to create a truncated TTN protein. In summary, the currently available evidence indicates that the variant is pathogenic, but additional data are needed to prove that conclusively. Therefore, this variant has been classified as Likely Pathogenic. This variant is located in the A band of TTN (PMID: 25589632). Truncating variants in this region are significantly overrepresented in patients affected with dilated cardiomyopathy (PMID: 25589632). Truncating variants in this region have also been reported in individuals affected with autosomal recessive centronuclear myopathy (PMID: 23975875). This variant has not been reported in the literature in individuals with TTN-related conditions. This variant is not present in population databases (ExAC no frequency).

Literature cited by the submitters: PubMed 25589632; PubMed 23975875.

NM_001267550.2(TTN):c.98421_98422insGG (p.Ile32808fs)

Genes: TTN-AS1 (TTN antisense RNA 1; plus strand), TTN (titin; minus strand). Cytogenetic location: 2q31.2.
Variant type: Insertion.
Coding change: c.98421_98422insGG on transcript NM_001267550.2 (MANE Select); coding-DNA positions 98421 to 98422, GG inserted.
Protein change: p.Ile32808fs; shifts the reading frame from isoleucine 32808.
Molecular consequence: frameshift variant. On other transcripts: non-coding transcript variant (1).
Genome position: GRCh38 VCF-style: chr2-178539643-T-TCC. GRCh37 (hg19) VCF-style: chr2-179404370-T-TCC.
Other names: c.93498_93499insGG, p.Ile31167fs (NM_001256850.1); c.71226_71227insGG, p.Ile23743fs (NM_003319.4); c.90717_90718insGG, p.Ile30240fs (NM_133378.4); c.71601_71602insGG, p.Ile23868fs (NM_133432.3); c.71802_71803insGG, p.Ile23935fs (NM_133437.4); short protein forms I23743fs, I23868fs, I23935fs, I30240fs, I31167fs, I32808fs.
Identifiers: ClinVar variation 1067817 (VCV001067817.11), dbSNP rs2154140080, ClinGen allele CA2499215300.